The following is an entry in ClinVar:

ClinVar aggregate classification (germline): Uncertain significance (1 of 4 stars; one submission).

Submission:

Labcorp Genetics (formerly Invitae), Labcorp
Classification: Uncertain significance. Last evaluated: 2024-11-13. Review status: criteria provided, single submitter. Criteria: Invitae Variant Classification Sherloc (09022015). Collection method: clinical testing. Allele origin: germline.
Comment: This sequence change replaces valine, which is neutral and non-polar, with alanine, which is neutral and non-polar, at codon 601 of the HYOU1 protein (p.Val601Ala). This variant is present in population databases (rs147284266, gnomAD 0.01%). This variant has not been reported in the literature in individuals affected with HYOU1-related conditions. An algorithm developed to predict the effect of missense changes on protein structure and function (PolyPhen-2) suggests that this variant is likely to be tolerated. In summary, the available evidence is currently insufficient to determine the role of this variant in disease. Therefore, it has been classified as a Variant of Uncertain Significance.

NM_006389.5(HYOU1):c.1802T>C (p.Val601Ala)

Gene: HYOU1 (hypoxia up-regulated 1; minus strand). Cytogenetic location: 11q23.3.
Variant type: single nucleotide variant.
Coding change: c.1802T>C on transcript NM_006389.5 (MANE Select); coding-DNA position 1802, T replaced by C.
Protein change: p.Val601Ala; replaces valine 601 with alanine.
Molecular consequence: missense variant.
Genome position (GRCh38, 1-based): chr11:119,049,560, A>G on the plus strand (T>C on the coding strand, the complement: HYOU1 is on the minus strand). VCF-style: chr11-119049560-A-G. GRCh37 (hg19) VCF-style: chr11-118920272-A-G.
Other names: c.1802T>C, p.Val601Ala (NM_001130991.3, NM_001411041.1); short protein forms V601A.
Identifiers: ClinVar variation 3674470 (VCV003674470.2).
Genomic context (GRCh38, chr11:119,049,560, plus strand): 5'-TACTACCTGCATCCCCCACCGTCCTCCATGCTTCCCTGGCTCCATCCTGAACTCACCTGG[A>G]CAGTATCAGTACCATTCTCCTTGGCATCTGGTGTGGTACCGCCTCCAAACAGGCTGGAAA-3'
Protein context (NP_006380.1, residues 591-611): PDAKENGTDT[Val601Ala]QEEEESPAEG